The following is an entry in ClinVar:

ClinVar aggregate classification (germline): Uncertain significance (1 of 4 stars; one submission).

Submission:

Labcorp Genetics (formerly Invitae), Labcorp
Classification: Uncertain significance. Last evaluated: 2022-07-25. Review status: criteria provided, single submitter. Criteria: Invitae Variant Classification Sherloc (09022015). Collection method: clinical testing. Allele origin: germline.
Comment: This variant is not present in population databases (gnomAD no frequency). This sequence change replaces methionine, which is neutral and non-polar, with threonine, which is neutral and polar, at codon 175 of the ATR protein (p.Met175Thr). This variant has not been reported in the literature in individuals affected with ATR-related conditions. In summary, the available evidence is currently insufficient to determine the role of this variant in disease. Therefore, it has been classified as a Variant of Uncertain Significance. Algorithms developed to predict the effect of missense changes on protein structure and function (SIFT, PolyPhen-2, Align-GVGD) all suggest that this variant is likely to be tolerated. ClinVar contains an entry for this variant (Variation ID: 1514921).

NM_001184.4(ATR):c.524T>C (p.Met175Thr)

Gene: ATR (ATR checkpoint kinase; minus strand). Cytogenetic location: 3q23.
Variant type: single nucleotide variant.
Coding change: c.524T>C on transcript NM_001184.4 (MANE Select); coding-DNA position 524, T replaced by C.
Protein change: p.Met175Thr; replaces methionine 175 with threonine.
Molecular consequence: missense variant.
Genome position (GRCh38, 1-based): chr3:142,562,878, A>G on the plus strand (T>C on the coding strand, the complement: ATR is on the minus strand). VCF-style: chr3-142562878-A-G. GRCh37 (hg19) VCF-style: chr3-142281720-A-G.
Other names: c.524T>C, p.Met175Thr (NM_001354579.2); short protein forms M175T.
Identifiers: ClinVar variation 1514921 (VCV001514921.6), dbSNP rs2108488341, ClinGen allele CA354826618.